The following is an entry in ClinVar:

ClinVar aggregate classification (germline): Uncertain significance. Review status: criteria provided, multiple submitters, no conflicts (2 of 4 stars). 3 submissions from 3 submitters: Uncertain significance (3). Last evaluated 2024-10-25.

Allele frequency attached by ClinVar (database versions not stated): ExAC 0.00001; gnomAD 0.00003.
gnomAD v4.1: 17 of 1,607,944 alleles (0.0011%); highest among the groups gnomAD compares: African/African-American, 0.004%; no homozygotes.

Submissions (3):

Ambry Genetics
Classification: Uncertain significance. Last evaluated: 2024-10-25. Review status: criteria provided, single submitter. Criteria: Ambry Variant Classification Scheme 2023. Collection method: clinical testing. Allele origin: germline.

Labcorp Genetics (formerly Invitae), Labcorp
Classification: Uncertain significance. Last evaluated: 2023-03-20. Review status: criteria provided, single submitter. Criteria: Invitae Variant Classification Sherloc (09022015). Collection method: clinical testing. Allele origin: germline.
Comment: This sequence change replaces proline, which is neutral and non-polar, with leucine, which is neutral and non-polar, at codon 1107 of the CASZ1 protein (p.Pro1107Leu). This variant is present in population databases (rs771060379, gnomAD 0.009%). This variant has not been reported in the literature in individuals affected with CASZ1-related conditions. Algorithms developed to predict the effect of missense changes on protein structure and function output the following: SIFT: "Not Available"; PolyPhen-2: "Benign"; Align-GVGD: "Not Available". The leucine amino acid residue is found in multiple mammalian species, which suggests that this missense change does not adversely affect protein function. In summary, the available evidence is currently insufficient to determine the role of this variant in disease. Therefore, it has been classified as a Variant of Uncertain Significance.

Breakthrough Genomics
Classification: Uncertain significance. Review status: criteria provided, single submitter. Criteria: ACMG Guidelines, 2015. Collection method: not provided. Allele origin: germline. Inheritance: Unknown mechanism. Affected: yes.

NM_001079843.3(CASZ1):c.3320C>T (p.Pro1107Leu)

Gene: CASZ1 (castor zinc finger 1; minus strand). Cytogenetic location: 1p36.22.
Variant type: single nucleotide variant.
Coding change: c.3320C>T on transcript NM_001079843.3 (MANE Select); coding-DNA position 3320, C replaced by T.
Protein change: p.Pro1107Leu; replaces proline 1107 with leucine.
Molecular consequence: missense variant.
Genome position (GRCh38, 1-based): chr1:10,647,978, G>A on the plus strand (C>T on the coding strand, the complement: CASZ1 is on the minus strand). VCF-style: chr1-10647978-G-A. GRCh37 (hg19) VCF-style: chr1-10708035-G-A.
Other names: c.3320C>T, p.Pro1107Leu (NM_017766.5); c.3320C>T (NM_001079843.1); short protein forms P1107L.
Identifiers: ClinVar variation 2986431 (VCV002986431.5), dbSNP rs771060379, ClinGen allele CA584540.
Genomic context (GRCh38, chr1:10,647,978, plus strand): 5'-GGTATGGTGGAAGCCAGCTGCTTCCAGGCGAGCAGGGTGGGGGTGGAGGGCACGGAGGCC[G>A]GGCTGGGAGCGGGCCCCTCCAGAGAGGACACCGTGGCCGTGGTGACAGGAGGGACCGGAG-3'
Protein context (NP_001073312.1, residues 1097-1117): VSSLEGPAPS[Pro1107Leu]ASVPSTPTLL